The following is an entry in ClinVar:

NM_001033855.3(DCLRE1C):c.1476_1478del (p.Phe493del)

Gene: DCLRE1C (DNA cross-link repair 1C; minus strand). Cytogenetic location: 10p13.
Variant type: Deletion.
Coding change: c.1476_1478del on transcript NM_001033855.3 (MANE Select); coding-DNA positions 1476 to 1478, 3 bases deleted (CTT; older notation c.1476_1478delCTT).
Protein change: p.Phe493del; deletes phenylalanine 493.
Molecular consequence: inframe deletion. On other transcripts: non-coding transcript variant (4).
Genome position (GRCh38, 1-based): chr10:14,909,009-14,909,011, AAG deleted on the plus strand (CTT on the coding strand, the reverse complement: DCLRE1C is on the minus strand); deleting any 3 consecutive bases within chr10:14,909,009-14,909,013 gives the same sequence; the c. name uses the placement nearest the transcript's 3' end. VCF-style (leftmost placement, unchanged base first): chr10-14909008-AAAG-A. GRCh37 (hg19) VCF-style: chr10-14951007-AAAG-A.
Other names: c.1116_1118del, p.Phe373del (NM_001033857.3, NM_001033858.3, NM_001289077.2 and 2 more transcripts); c.1131_1133del, p.Phe378del (NM_001289076.2, NM_001289078.2, NM_001350966.2 and 1 more transcripts); c.1476_1478del, p.Phe493del (NM_001350965.2); short protein forms F378del, F373del, F493del.
Identifiers: ClinVar variation 2187753 (VCV002187753.1), dbSNP rs756239667, ClinGen allele CA5416469.

ClinVar aggregate classification (germline): Uncertain significance (1 of 4 stars; one submission).

Conditions:
Severe combined immunodeficiency due to DCLRE1C deficiency (RS-SCID). Also called: SCID, AUTOSOMAL RECESSIVE, T CELL-NEGATIVE, B CELL-NEGATIVE, NK CELL-POSITIVE, WITH SENSITIVITY TO IONIZING RADIATION. Identifiers: Orphanet 275, MedGen C1865371, MONDO:0011225, OMIM 602450.

Submission:

Labcorp Genetics (formerly Invitae), Labcorp
Classification: Uncertain significance for Athabaskan severe combined immunodeficiency. Last evaluated: 2022-02-24. Review status: criteria provided, single submitter. Criteria: Invitae Variant Classification Sherloc (09022015). Collection method: clinical testing. Allele origin: germline.
Comment: This variant, c.1476_1478del, results in the deletion of 1 amino acid(s) of the DCLRE1C protein (p.Phe493del), but otherwise preserves the integrity of the reading frame. This variant is present in population databases (rs756239667, gnomAD 0.0009%). This variant has not been reported in the literature in individuals affected with DCLRE1C-related conditions. Experimental studies and prediction algorithms are not available or were not evaluated, and the functional significance of this variant is currently unknown. In summary, the available evidence is currently insufficient to determine the role of this variant in disease. Therefore, it has been classified as a Variant of Uncertain Significance.